The following is an entry in ClinVar:

NM_007194.4(CHEK2):c.1548_1565del (p.Thr517_Pro522del)

Gene: CHEK2 (checkpoint kinase 2; minus strand). Cytogenetic location: 22q12.1.
Variant type: Deletion.
Coding change: c.1548_1565del on transcript NM_007194.4 (MANE Select); coding-DNA positions 1548 to 1565, 18 bases deleted (TACTAGTCGAAAGCGGCC).
Protein change: p.Thr517_Pro522del.
Molecular consequence: inframe deletion. On other transcripts: inframe indel (4).
Genome position (GRCh38, 1-based): chr22:28,687,964-28,687,981, GGCCGCTTTCGACTAGTA deleted on the plus strand (TACTAGTCGAAAGCGGCC on the coding strand, the reverse complement: CHEK2 is on the minus strand); deleting any 18 consecutive bases within chr22:28,687,964-28,687,982 gives the same sequence; the c. name uses the placement nearest the transcript's 3' end. VCF-style (leftmost placement, unchanged base first): chr22-28687963-GGGCCGCTTTCGACTAGTA-G. GRCh37 (hg19) VCF-style: chr22-29083951-GGGCCGCTTTCGACTAGTA-G.
Other names: c.1676_1693del18, p.Thr560_Pro565del (NM_001005735.3); c.884_901del18, p.Thr296_Pro301del (NM_001257387.3); c.1346_1363del18, p.Thr450_Pro455del (NM_001349956.3); c.1460_1477del18, p.Thr488_Pro493del (NM_145862.3).
Identifiers: ClinVar variation 945523 (VCV000945523.10), dbSNP rs2052186431, ClinGen allele CA1139667011.

ClinVar aggregate classification (germline): Uncertain significance (1 of 4 stars; one submission).

Conditions:
Familial cancer of breast. Also called: hereditary breast carcinoma; BREAST CANCER, FAMILIAL; Hereditary breast cancer. Identifiers: Orphanet 227535, MedGen C0346153, MONDO:0016419, OMIM 114480. Disease mechanism: loss of function.

Submission:

Labcorp Genetics (formerly Invitae), Labcorp
Classification: Uncertain significance for Familial cancer of breast. Last evaluated: 2019-04-20. Review status: criteria provided, single submitter. Criteria: Invitae Variant Classification Sherloc (09022015). Collection method: clinical testing. Allele origin: germline.
Comment: Experimental studies and prediction algorithms are not available for this variant, and the functional significance of the affected amino acids is currently unknown. In summary, the available evidence is currently insufficient to determine the role of this variant in disease. Therefore, it has been classified as a Variant of Uncertain Significance. This variant has not been reported in the literature in individuals with CHEK2-related conditions. This variant is not present in population databases (ExAC no frequency). This variant, c.1548_1565del, results in the deletion of six amino acids of the CHEK2 protein (p.Thr517_Pro522del), but otherwise preserves the integrity of the reading frame.